The following is an entry in ClinVar:

NM_000787.4(DBH):c.301G>A (p.Val101Met)

Gene: DBH (dopamine beta-hydroxylase; plus strand). Cytogenetic location: 9q34.2.
Variant type: single nucleotide variant.
Coding change: c.301G>A on transcript NM_000787.4 (MANE Select); coding-DNA position 301, G replaced by A.
Protein change: p.Val101Met; replaces valine 101 with methionine.
Molecular consequence: missense variant.
Genome position (GRCh38, 1-based): chr9:133,636,672, G>A. VCF-style: chr9-133636672-G-A. GRCh37 (hg19) VCF-style: chr9-136501794-G-A.
Other names: V87M; short protein forms V101M.
Identifiers: ClinVar variation 217761 (VCV000217761.6), dbSNP rs267606760, ClinGen allele CA347623.

ClinVar aggregate classification (germline): Uncertain significance. Review status: criteria provided, single submitter (1 of 4 stars). 2 submissions from 2 submitters: Uncertain significance (1). 1 of the submissions does not count toward it. Last evaluated 2021-12-27.

Conditions:
Orthostatic hypotension 1 (ORTHYP1). Also called: Dopamine beta-hydroxylase deficiency; NORADRENALINE DEFICIENCY; NOREPINEPHRINE DEFICIENCY; Orthostatic hypotension 1, due to DBH deficiency. Identifiers: Orphanet 230, MedGen C4746777, MONDO:0009123, OMIM 223360.

Allele frequency attached by ClinVar (database versions not stated): gnomAD 0.00005; gnomAD exomes 0.00007 and 0.00003; ExAC 0.00002; ESP Exome Variant Server 0.00008; TOPMed 0.00005.
gnomAD v4.1: 122 of 1,608,142 alleles (0.0076%); highest among the groups gnomAD compares: Non-Finnish European, 0.0089%; no homozygotes.

Submissions (2):

Labcorp Genetics (formerly Invitae), Labcorp
Classification: Uncertain significance for Orthostatic hypotension 1. Last evaluated: 2021-12-27. Review status: criteria provided, single submitter. Criteria: Invitae Variant Classification Sherloc (09022015). Collection method: clinical testing. Allele origin: germline.
Comment: This sequence change replaces valine, which is neutral and non-polar, with methionine, which is neutral and non-polar, at codon 101 of the DBH protein (p.Val101Met). This variant is present in population databases (rs267606760, gnomAD 0.008%). This variant has not been reported in the literature in individuals affected with DBH-related conditions. ClinVar contains an entry for this variant (Variation ID: 217761). Algorithms developed to predict the effect of missense changes on protein structure and function are either unavailable or do not agree on the potential impact of this missense change (SIFT: "Tolerated"; PolyPhen-2: "Probably Damaging"; Align-GVGD: "Class C0"). In summary, the available evidence is currently insufficient to determine the role of this variant in disease. Therefore, it has been classified as a Variant of Uncertain Significance.

GeneReviews
No classification provided. Condition: Orthostatic hypotension 1. Review status: no classification provided. Collection method: literature only. Allele origin: germline. Not counted in ClinVar's aggregate classification.
Comment: Identified in USA [Kim et al 2002, Erez et al 2010, Phillips et al 2013]

Literature cited by the submitters: PubMed 11857564 (cited by GeneReviews); PubMed 20186791 (cited by GeneReviews); PubMed 23622564 (cited by GeneReviews); NCBI Bookshelf NBK1474 (cited by GeneReviews).